The following is an entry in ClinVar:

ClinVar aggregate classification (germline): Uncertain significance. Review status: criteria provided, multiple submitters, no conflicts (2 of 4 stars). 2 submissions from 2 submitters: Uncertain significance (2). Last evaluated 2026-03-11.

Conditions:
PLEC-related disorder. Also called: PLEC-related disorders; PLEC-related condition.
Epidermolysis bullosa simplex 5C, with pyloric atresia (EBS5C). Also called: PLEC-Related Epidermolysis Bullosa with Pyloric Atresia; Epidermolysis bullosa simplex with pyloric atresia; PLEC1-Related Epidermolysis Bullosa with Pyloric Atresia. Identifiers: Orphanet 158684, MedGen C2677349, MONDO:0012807, OMIM 612138.
Epidermolysis bullosa simplex with nail dystrophy (EBS5D). Identifiers: MedGen C4225309, MONDO:0014661, OMIM 616487.
Autosomal recessive limb-girdle muscular dystrophy type 2Q (LGMDR17). Also called: MUSCULAR DYSTROPHY, LIMB-GIRDLE, AUTOSOMAL RECESSIVE 17. Identifiers: Orphanet 254361, MedGen C3150989, MONDO:0013390, OMIM 613723.
Epidermolysis bullosa simplex 5B, with muscular dystrophy (EBS5B). Also called: EPIDERMOLYSIS BULLOSA SIMPLEX AND LIMB-GIRDLE MUSCULAR DYSTROPHY; Epidermolysis bullosa simplex with muscular dystrophy. Identifiers: Orphanet 257, MedGen C2931072, MONDO:0009181, OMIM 226670.
Epidermolysis bullosa simplex, Ogna type (EBS5A). Also called: Pidermolysis bullosa simplex 5A, Ogna type; EPIDERMOLYSIS BULLOSA SIMPLEX 5A, OGNA TYPE. Identifiers: Orphanet 79401, MedGen C0432317, MONDO:0007555, OMIM 131950.

Allele frequency attached by ClinVar (database versions not stated): gnomAD 0.00003 and 0.00004; TOPMed 0.00004; gnomAD exomes 0.00006 and 0.00007; ExAC 0.00014.
gnomAD v4.1: 105 of 1,589,766 alleles (0.0066%); highest among the groups gnomAD compares: Non-Finnish European, 0.0088%; no homozygotes.

Submissions (2):

PreventionGenetics, part of Exact Sciences
Classification: Uncertain significance for PLEC-related condition. Last evaluated: 2026-03-11. Review status: criteria provided, single submitter. Criteria: ACMG Guidelines, 2015. Collection method: clinical testing. Allele origin: germline.
Comment: The PLEC c.11446G>A variant is predicted to result in the amino acid substitution p.Glu3816Lys. This variant has been reported in an individual with a clinical diagnosis of panuveitis (reported as c.11776G>A (p.Glu3926Lys) in Supplemental Table 2, Li. 2020. PubMed ID: 32707200). This variant is reported in 0.013% of alleles in individuals of European (Non-Finnish) descent in gnomAD. At this time, the clinical significance of this variant is uncertain due to the absence of conclusive functional and genetic evidence.

Labcorp Genetics (formerly Invitae), Labcorp
Classification: Uncertain significance for Autosomal recessive limb-girdle muscular dystrophy type 2Q; Epidermolysis bullosa simplex, Ogna type; Epidermolysis bullosa simplex with nail dystrophy; Epidermolysis bullosa simplex 5C, with pyloric atresia; Epidermolysis bullosa simplex 5B, with muscular dystrophy. Last evaluated: 2025-03-18. Review status: criteria provided, single submitter. Criteria: Invitae Variant Classification Sherloc (09022015). Collection method: clinical testing. Allele origin: germline.
Comment: This sequence change replaces glutamic acid, which is acidic and polar, with lysine, which is basic and polar, at codon 3816 of the PLEC protein (p.Glu3816Lys). This variant is present in population databases (rs782039368, gnomAD 0.01%). This variant has not been reported in the literature in individuals affected with PLEC-related conditions. This variant is also known as p.Glu3926Lys. ClinVar contains an entry for this variant (Variation ID: 1060544). An algorithm developed to predict the effect of missense changes on protein structure and function (PolyPhen-2) suggests that this variant is likely to be disruptive. In summary, the available evidence is currently insufficient to determine the role of this variant in disease. Therefore, it has been classified as a Variant of Uncertain Significance.

NM_201384.3(PLEC):c.11365G>A (p.Glu3789Lys)

Gene: PLEC (plectin; minus strand). Cytogenetic location: 8q24.3.
Variant type: single nucleotide variant.
Coding change: c.11365G>A on transcript NM_201384.3 (MANE Select); coding-DNA position 11365, G replaced by A.
Protein change: p.Glu3789Lys; replaces glutamic acid 3789 with lysine.
Molecular consequence: missense variant.
Genome position (GRCh38, 1-based): chr8:143,918,456, C>T on the plus strand (G>A on the coding strand, the complement: PLEC is on the minus strand). VCF-style: chr8-143918456-C-T. GRCh37 (hg19) VCF-style: chr8-144992624-C-T.
Other names: c.11446G>A, p.Glu3816Lys (NM_000445.5); c.11323G>A, p.Glu3775Lys (NM_201378.4); c.11299G>A, p.Glu3767Lys (NM_201379.3); c.11776G>A, p.Glu3926Lys (NM_201380.4); c.11269G>A, p.Glu3757Lys (NM_201381.3); c.11365G>A, p.Glu3789Lys (NM_201382.4); c.11377G>A, p.Glu3793Lys (NM_201383.3); c.11446G>A (NM_000445.4); short protein forms E3757K, E3767K, E3775K, E3789K, E3793K, E3816K, E3926K.
Identifiers: ClinVar variation 1060544 (VCV001060544.10), dbSNP rs782039368, ClinGen allele CA4924367.